The following is an entry in ClinVar:

ClinVar aggregate classification (germline): Likely benign. Review status: criteria provided, single submitter (1 of 4 stars). 2 submissions from 2 submitters: Likely benign (1). 1 of the submissions does not count toward it. Last evaluated 2022-12-01.

Conditions:
PTPRD-related disorder. Also called: PTPRD-related condition.

Allele frequency attached by ClinVar (database versions not stated): 1000 Genomes Project 30x 0.00078; 1000 Genomes Project 0.00080; ExAC 0.00203; TOPMed 0.00216; ESP Exome Variant Server 0.00223; gnomAD 0.00233; gnomAD exomes 0.00294.
gnomAD v4.1: 4,647 of 1,612,832 alleles (0.29%); highest among the groups gnomAD compares: Non-Finnish European, 0.36%; 11 homozygotes.

Submissions (2):

CeGaT Center for Human Genetics Tuebingen
Classification: Likely benign. Last evaluated: 2022-12-01. Review status: criteria provided, single submitter. Criteria: CeGaT Center For Human Genetics Tuebingen Variant Classification Criteria Version 2. Collection method: clinical testing. Allele origin: germline. Affected: yes. Observed: 1 variant allele.
Comment: PTPRD: BP4, BS2

PreventionGenetics, part of Exact Sciences
Classification: Likely benign for PTPRD-related condition. Last evaluated: 2019-05-28. Review status: no assertion criteria provided. Collection method: clinical testing. Allele origin: germline. Not counted in ClinVar's aggregate classification.
Comment: This variant is classified as likely benign based on ACMG/AMP sequence variant interpretation guidelines (Richards et al. 2015 PMID: 25741868, with internal and published modifications).

NM_002839.4(PTPRD):c.2468-6C>T

Genes: PTPRD (protein tyrosine phosphatase receptor type D; minus strand), LOC126860578 (MED14-independent group 3 enhancer GRCh37_chr9:8485393-8486592; plus strand). Cytogenetic location: 9p24.1.
Variant type: single nucleotide variant.
Coding change: c.2468-6C>T on transcript NM_002839.4 (MANE Select); 6 bases into the intron before coding-DNA position 2468, C replaced by T.
Molecular consequence: intron variant.
Genome position (GRCh38, 1-based): chr9:8,486,355, G>A on the plus strand (C>T on the coding strand, the complement: PTPRD is on the minus strand). VCF-style: chr9-8486355-G-A. GRCh37 (hg19) VCF-style: chr9-8486355-G-A.
Other names: c.1793-1031C>T (NM_001171025.2); c.1805-1031C>T (NM_001377946.1); c.2468-6C>T (NM_001378058.1, NM_001377958.1, NM_002839.3); c.1814-1028C>T (NM_001377947.1); c.1823-1031C>T (NM_130391.4, NM_130392.3); c.1814-1031C>T (NM_001040712.2); c.1805-1028C>T (NM_130393.3).
Identifiers: ClinVar variation 2659064 (VCV002659064.25), dbSNP rs183119115, ClinGen allele CA4984106.